The following is an entry in ClinVar:

NM_001927.4(DES):c.334C>G (p.Leu112Val)

Gene: DES (desmin; plus strand). Cytogenetic location: 2q35.
Variant type: single nucleotide variant.
Coding change: c.334C>G on transcript NM_001927.4 (MANE Select); coding-DNA position 334, C replaced by G.
Protein change: p.Leu112Val; replaces leucine 112 with valine.
Molecular consequence: missense variant.
Genome position (GRCh38, 1-based): chr2:219,418,796, C>G. VCF-style: chr2-219418796-C-G. GRCh37 (hg19) VCF-style: chr2-220283518-C-G.
Other names: c.334C>G, p.Leu112Val (NM_001382708.1, NM_001382709.1, NM_001382710.1 and 3 more transcripts); short protein forms L112V.
Identifiers: ClinVar variation 3755394 (VCV003755394.2).

ClinVar aggregate classification (germline): Uncertain significance (1 of 4 stars; one submission).

Conditions:
Desmin-related myofibrillar myopathy (MFM1). Also called: Desminopathy; Desmin related myopathy (former name); Desmin storage myopathy (former name); MYOFIBRILLAR MYOPATHY WITH ARRHYTHMOGENIC RIGHT VENTRICULAR CARDIOMYOPATHY; DESMIN-RELATED MYOPATHY WITH ARRHYTHMOGENIC RIGHT VENTRICULAR CARDIOMYOPATHY; Myofibrillar myopathy 1. Identifiers: Orphanet 363543, Orphanet 98909, MedGen C1832370, MONDO:0011076, OMIM 601419.

Submission:

Labcorp Genetics (formerly Invitae), Labcorp
Classification: Uncertain significance for Desmin-related myofibrillar myopathy. Last evaluated: 2024-03-26. Review status: criteria provided, single submitter. Criteria: Invitae Variant Classification Sherloc (09022015). Collection method: clinical testing. Allele origin: germline.
Comment: This sequence change replaces leucine, which is neutral and non-polar, with valine, which is neutral and non-polar, at codon 112 of the DES protein (p.Leu112Val). This variant is not present in population databases (gnomAD no frequency). This variant has not been reported in the literature in individuals affected with DES-related conditions. Advanced modeling of protein sequence and biophysical properties (such as structural, functional, and spatial information, amino acid conservation, physicochemical variation, residue mobility, and thermodynamic stability) has been performed at Invitae for this missense variant, however the output from this modeling did not meet the statistical confidence thresholds required to predict the impact of this variant on DES protein function. In summary, the available evidence is currently insufficient to determine the role of this variant in disease. Therefore, it has been classified as a Variant of Uncertain Significance.